The following is an entry in ClinVar:

ClinVar aggregate classification (germline): Pathogenic. Review status: criteria provided, multiple submitters, no conflicts (2 of 4 stars). 14 submissions from 14 submitters: Pathogenic (11). 3 of the submissions do not count toward it. Last evaluated 2025-10-27.

Conditions:
Retinitis pigmentosa 39 (RP39). Identifiers: Orphanet 791, MedGen C3151138, MONDO:0013436, OMIM 613809.
USH2A-related disorder. Also called: USH2A-related condition; USH2A-related disorders. Identifiers: MedGen CN239332.
Retinal dystrophy. Also called: Inherited retinal dystrophy. Identifiers: Orphanet 71862, MedGen C0854723, MeSH D058499, MONDO:0019118, HP:0000556.
Usher syndrome type 2A. Also called: RETINAL DISEASE IN USHER SYNDROME TYPE IIA, MODIFIER OF; USHER SYNDROME, TYPE IIA. Identifiers: Orphanet 231178, Orphanet 886, MedGen C1848634, MONDO:0010169, OMIM 276901.
Retinitis pigmentosa (RP). Identifiers: Orphanet 791, MedGen C0035334, MeSH D012174, MONDO:0019200, OMIM 268000. Inheritance: Autosomal dominant, autosomal recessive and X linked inheritance.

Allele frequency attached by ClinVar (database versions not stated): gnomAD 0.00001; TOPMed 0.00002.
gnomAD v4.1: 9 of 1,613,674 alleles (0.00056%); highest among the groups gnomAD compares: South Asian, 0.0022%; no homozygotes.

Submissions (14):

Institute of Human Genetics, University of Leipzig Medical Center
Classification: Pathogenic for Retinitis pigmentosa 39. Last evaluated: 2025-10-27. Review status: criteria provided, single submitter. Criteria: ACMG Guidelines, 2015. Collection method: clinical testing. Allele origin: unknown. Inheritance: Autosomal recessive inheritance. Affected: yes.
Comment: Criteria applied: PVS1,PM2

Victorian Clinical Genetics Services, Murdoch Childrens Research Institute
Classification: Pathogenic for Usher syndrome type 2A. Last evaluated: 2025-03-06. Review status: criteria provided, single submitter. Criteria: ACMG Guidelines, 2015. Collection method: clinical testing. Allele origin: germline.
Comment: This variant is classified as Pathogenic. Evidence in support of pathogenic classification: Variant is predicted to cause nonsense-mediated decay (NMD) and loss of protein (premature termination codon is located at least 54 nucleotides upstream of the final exon-exon junction); Variant is present in gnomAD <0.01 for a recessive condition (v4: 9 heterozygote(s), 0 homozygote(s)); This variant has strong previous evidence of pathogenicity in unrelated individuals. It has been classified as pathogenic by multiple clinical laboratories in ClinVar, and reported in at least one homozygous individual with Usher syndrome (PMID: 21593743); Other NMD-predicted variant(s) comparable to the one identified in this case have very strong previous evidence for pathogenicity (DECIPHER). Additional information: This variant is heterozygous; This gene is associated with autosomal recessive disease; Loss of function is a known mechanism of disease in this gene and is associated with Usher syndrome, type 2A (MIM#276901) and retinitis pigmentosa (RP; MIM#6138093). Null variants are associated with Usher syndrome, while homozygous missense variants which lead to partially functional proteins typically cause non-syndromic RP (PMID: 20301515).

Institute of Medical Genetics and Applied Genomics, University Hospital Tübingen
Classification: Pathogenic for Retinitis pigmentosa 39. Last evaluated: 2024-10-15. Review status: criteria provided, single submitter. Criteria: ACMG Guidelines, 2015. Collection method: clinical testing. Allele origin: germline. Inheritance: Autosomal recessive inheritance. Affected: yes.

Natera, Inc.
Classification: Pathogenic for Usher syndrome type 2A. Last evaluated: 2024-10-01. Review status: criteria provided, single submitter. Criteria: Natera Variant Classification Schema (03/2026). Collection method: clinical testing. Allele origin: germline.
Comment: The c.13576C>T variant in USH2A is a nonsense variant predicted to introduce a stop codon at amino acid 4526. This variant is expected to result in nonsense mediated decay, truncation, or a dysfunctional protein product. This variant is rare in the general population with a frequency below the threshold expected for the associated phenotype(s). This variant has been observed in one or more individuals affected with the associated recessive disease, as either homozygous or compound heterozygous with a second variant (PMID: 21593743, 34948090). Given the available evidence, this variant is classified as Pathogenic.

Baylor Genetics
Classification: Pathogenic for Retinitis pigmentosa 39. Last evaluated: 2024-02-29. Review status: criteria provided, single submitter. Criteria: ACMG Guidelines, 2015. Collection method: clinical testing. Allele origin: unknown.

Genome-Nilou Lab
Classification: Pathogenic for Retinitis pigmentosa 39. Last evaluated: 2023-11-04. Review status: criteria provided, single submitter. Criteria: ACMG Guidelines, 2015. Collection method: clinical testing. Allele origin: germline. Affected: no.

Labcorp Genetics (formerly Invitae), Labcorp
Classification: Pathogenic. Last evaluated: 2023-10-28. Review status: criteria provided, single submitter. Criteria: Invitae Variant Classification Sherloc (09022015). Collection method: clinical testing. Allele origin: germline.
Comment: This sequence change creates a premature translational stop signal (p.Arg4526*) in the USH2A gene. It is expected to result in an absent or disrupted protein product. Loss-of-function variants in USH2A are known to be pathogenic (PMID: 10729113, 10909849, 20507924, 25649381). This variant is not present in population databases (gnomAD no frequency). This premature translational stop signal has been observed in individuals with USH2A-related conditions (PMID: 21593743, 28157192). ClinVar contains an entry for this variant (Variation ID: 438014). For these reasons, this variant has been classified as Pathogenic.

Ophthalmic Genetics Group, Institute of Molecular and Clinical Ophthalmology Basel
Classification: Pathogenic for Retinitis pigmentosa. Last evaluated: 2023-07-24. Review status: criteria provided, single submitter. Criteria: ACMG Guidelines, 2015. Collection method: research. Allele origin: germline. Affected: yes. Observed: 1 variant allele.
Comment: Clinical significance based on ACMG v2.0

This variant was classified as Pathogenic based on ACMG criteria: PVS1, PS4, PM2, PP5.

Institute of Human Genetics, Univ. Regensburg, Univ. Regensburg
Classification: Pathogenic for Retinal dystrophy. Last evaluated: 2021-01-01. Review status: criteria provided, single submitter. Criteria: ACMG Guidelines, 2015. Collection method: clinical testing. Allele origin: germline. Affected: yes.

Blueprint Genetics
Classification: Pathogenic for USH2A-related disorders. Last evaluated: 2019-06-18. Review status: criteria provided, single submitter. Criteria: ACMG Guidelines, 2015. Collection method: clinical testing. Allele origin: germline. Affected: yes. Observed: 2 variant alleles.

GeneDx
Classification: Pathogenic. Last evaluated: 2018-08-29. Review status: criteria provided, single submitter. Criteria: GeneDx Variant Classification (06012015). Collection method: clinical testing. Allele origin: germline. Affected: yes.
Comment: The R4526X variant has been reported previously in association with Usher syndrome (Nakanishi et al., 2011). This variant is predicted to cause loss of normal protein function either through protein truncation or nonsense-mediated mRNA decay. The variant is not observed in large population cohorts (Lek et al., 2016). In summary, we consider this variant to be pathogenic.

Department of Clinical Genetics, Copenhagen University Hospital, Rigshospitalet
Classification: Pathogenic for Retinitis pigmentosa. Last evaluated: 2018-04-01. Review status: no assertion criteria provided. Collection method: research. Allele origin: unknown. Affected: yes. Study: VeluxRD. Not counted in ClinVar's aggregate classification.

Counsyl
Classification: Pathogenic for Retinitis pigmentosa 39. Last evaluated: 2017-11-10. Review status: no assertion criteria provided. Collection method: clinical testing. Allele origin: unknown. Not counted in ClinVar's aggregate classification.

NIHR Bioresource Rare Diseases, University of Cambridge
Classification: Pathogenic for Retinitis pigmentosa. Last evaluated: 2015-01-01. Review status: no assertion criteria provided. Collection method: research. Allele origin: unknown. Affected: yes. Observed: 1 variant allele. Not counted in ClinVar's aggregate classification.

Literature cited by the submitters: PubMed 21593743 (cited by 6 submitters); PubMed 20301515 (cited by Victorian Clinical Genetics Services, Murdoch Childrens Research Institute); PubMed 34948090 (cited by Natera, Inc. and Institute of Human Genetics, Univ. Regensburg, Univ. Regensburg); PubMed 10729113 (cited by Labcorp Genetics (formerly Invitae), Labcorp); PubMed 10909849 (cited by Labcorp Genetics (formerly Invitae), Labcorp); PubMed 20507924 (cited by Labcorp Genetics (formerly Invitae), Labcorp); PubMed 25649381 (cited by Labcorp Genetics (formerly Invitae), Labcorp); PubMed 28157192 (cited by 3 submitters); PubMed 36909829 (cited by Ophthalmic Genetics Group, Institute of Molecular and Clinical Ophthalmology Basel); PubMed 25525159 (cited by Institute of Human Genetics, Univ. Regensburg, Univ. Regensburg); PubMed 31266775 (cited by Institute of Human Genetics, Univ. Regensburg, Univ. Regensburg); PubMed 33105608 (cited by Institute of Human Genetics, Univ. Regensburg, Univ. Regensburg); PubMed 32581362 (cited by Institute of Human Genetics, Univ. Regensburg, Univ. Regensburg); PubMed 33749171 (cited by Institute of Human Genetics, Univ. Regensburg, Univ. Regensburg); PubMed 36819107 (cited by Institute of Human Genetics, Univ. Regensburg, Univ. Regensburg); PubMed 30718709 (cited by Department of Clinical Genetics, Copenhagen University Hospital, Rigshospitalet); PubMed 28041643 (cited by Counsyl and NIHR Bioresource Rare Diseases, University of Cambridge).

NM_206933.4(USH2A):c.13576C>T (p.Arg4526Ter)

Gene: USH2A (usherin; minus strand). Cytogenetic location: 1q41.
Variant type: single nucleotide variant.
Coding change: c.13576C>T on transcript NM_206933.4 (MANE Select); coding-DNA position 13576, C replaced by T.
Protein change: p.Arg4526Ter; replaces arginine 4526 with a stop codon.
Molecular consequence: nonsense.
Genome position (GRCh38, 1-based): chr1:215,674,335, G>A on the plus strand (C>T on the coding strand, the complement: USH2A is on the minus strand). VCF-style: chr1-215674335-G-A. GRCh37 (hg19) VCF-style: chr1-215847677-G-A.
Other names: NP_996816.3:p.(Arg4526Ter); short protein forms R4526*.
Identifiers: ClinVar variation 438014 (VCV000438014.28), dbSNP rs1003869920, ClinGen allele CA37412317.
Genomic context (GRCh38, chr1:215,674,335, plus strand): 5'-GAGGACCCCTGGCCTGCAATTTTGGAGGTTCCATCCCTGAGGGTGCTGAGGGGCTGGTTC[G>A]ATCTTTGACAAGAGGACTCAAAATACCCCCTTGGCTGTTGCTGGCAGTTACTGTGTAGCT-3'